The following is an entry in ClinVar:

ClinVar aggregate classification (germline): Benign. Review status: reviewed by expert panel (3 of 4 stars). 11 submissions from 11 submitters: Benign (1). 10 of the submissions do not count toward it. Last evaluated 2019-06-27.

Conditions:
Cardiovascular phenotype. Identifiers: MedGen CN230736.
RAF1-related disorder. Also called: RAF1-related disorders; RAF1-related condition.
Noonan syndrome and Noonan-related syndrome. Identifiers: Orphanet 98733, MedGen C5681679, MONDO:0020297.
RASopathy. Also called: rasopathies; Noonan spectrum disorder. Identifiers: Orphanet 536391, MedGen C5555857, MONDO:0021060.

Allele frequency attached by ClinVar (database versions not stated): gnomAD exomes 0.00010 and 0.00029; ExAC 0.00011; gnomAD 0.00013; ESP Exome Variant Server 0.00015; TOPMed 0.00019.
gnomAD v4.1: 435 of 1,614,104 alleles (0.027%); highest among the groups gnomAD compares: Non-Finnish European, 0.035%; 1 homozygote.

Submissions (12):

ClinGen RASopathy Variant Curation Expert Panel
Classification: Benign for Noonan syndrome and Noonan-related syndrome. Last evaluated: 2019-06-27. Review status: reviewed by expert panel. Criteria: ClinGen RASopathy ACMG Specifications v1. Collection method: curation. Allele origin: germline. Inheritance: Autosomal dominant inheritance.
Comment: The c.94A>G (p.Ile32Val) variant in the RAF1 gene has been identified in patients who underwent testing for a RASopathy, however it has also been identified in multiple adults who did not have clinical features of a RASopathy (BS2, BP5; Invitae, EGL Diagnostics, GeneDx internal data; GTR Lab ID: 500031, 500060; SCV000287747.4, SCV000227277.5, SCV000209002.14). The filtering allele frequency of the p.Ile32Val variant is 0.017% for European (non-Finnish) genomes in the gnomAD database (8/31404 with 95% CI) which is a high enough frequency to be considered strong evidence that the variant is benign based on thresholds defined by the ClinGen RASopathy Expert Panel (BS1). Computational prediction tools and conservation analysis suggest that the p.Ile32Val variant does not impact the protein (BP4). In summary, this variant meets criteria to be classified as benign. RASopathy-specific ACMG/AMP criteria applied (PMID:29493581): BS2, BP5, BS1, BP4.

Labcorp Genetics (formerly Invitae), Labcorp
Classification: Benign for RASopathy. Last evaluated: 2026-01-04. Review status: criteria provided, single submitter. Criteria: Invitae Variant Classification Sherloc (09022015). Collection method: clinical testing. Allele origin: germline. Not counted in ClinVar's aggregate classification.

Ambry Genetics
Classification: Uncertain significance for Cardiovascular phenotype. Last evaluated: 2024-05-19. Review status: criteria provided, single submitter. Criteria: Ambry Variant Classification Scheme 2023. Collection method: clinical testing. Allele origin: germline. Not counted in ClinVar's aggregate classification.
Comment: The p.I32V variant (also known as c.94A>G), located in coding exon 1 of the RAF1 gene, results from an A to G substitution at nucleotide position 94. The isoleucine at codon 32 is replaced by valine, an amino acid with highly similar properties. This alteration has been reported in an oculoauriculofrontonasal syndrome (OAFNS) cohort (Lehalle D et al. Am J Med Genet A, 2018 12;176:2740-2750). This amino acid position is not well conserved in available vertebrate species. In addition, this alteration is predicted to be tolerated by in silico analysis. Since supporting evidence is limited at this time, the clinical significance of this alteration remains unclear.

Women's Health and Genetics/Laboratory Corporation of America, LabCorp
Classification: Likely benign. Last evaluated: 2024-02-05. Review status: criteria provided, single submitter. Criteria: LabCorp Variant Classification Summary - May 2015. Collection method: clinical testing. Allele origin: germline. Not counted in ClinVar's aggregate classification.
Comment: Variant summary: RAF1 c.94A>G (p.Ile32Val) results in a conservative amino acid change in the encoded protein sequence. Four of five in-silico tools predict a benign effect of the variant on protein function. The variant allele was found at a frequency of 0.00027 in 1614104 control chromosomes in the gnomAD database, including 1 homozygotes. The observed variant frequency is approximately 11 fold of the estimated maximal expected allele frequency for a pathogenic variant in RAF1 causing Noonan Syndrome And Related Conditions phenotype (2.5e-05), strongly suggesting that the variant is benign. c.94A>G has been reported in the literature in at-least one individual affected with T-cell ALL (example, Zhang_2016). This report however, does not provide unequivocal conclusions about association of the variant with Noonan Syndrome and Related Conditions. To our knowledge, no experimental evidence demonstrating an impact on protein function has been reported. The following publication has been ascertained in the context of this evaluation (PMID: 26580448). ClinVar contains an entry for this variant (Variation ID: 40584). Based on the evidence outlined above, the variant was classified as likely benign.

Mayo Clinic Laboratories, Mayo Clinic
Classification: Benign. Last evaluated: 2023-12-06. Review status: criteria provided, single submitter. Criteria: ACMG Guidelines, 2015. Collection method: clinical testing. Allele origin: germline. Observed: 2 variant alleles. Not counted in ClinVar's aggregate classification.
Comment: BS1, BS2, BP4, BP5

Blueprint Genetics
Classification: Likely benign. Last evaluated: 2023-04-11. Review status: criteria provided, single submitter. Criteria: ACMG Guidelines, 2015. Collection method: clinical testing. Allele origin: germline. Not counted in ClinVar's aggregate classification.

CeGaT Center for Human Genetics Tuebingen
Classification: Likely benign. Last evaluated: 2022-09-01. Review status: criteria provided, single submitter. Criteria: CeGaT Center For Human Genetics Tuebingen Variant Classification Criteria Version 2. Collection method: clinical testing. Allele origin: germline. Affected: yes. Observed: 1 variant allele. Not counted in ClinVar's aggregate classification.
Comment: RAF1: BP4

GeneDx
Classification: Likely benign. Last evaluated: 2018-08-09. Review status: criteria provided, single submitter. Criteria: GeneDx Variant Classification (06012015). Collection method: clinical testing. Allele origin: germline. Affected: yes. Not counted in ClinVar's aggregate classification.
Comment: This variant is considered likely benign or benign based on one or more of the following criteria: it is a conservative change, it occurs at a poorly conserved position in the protein, it is predicted to be benign by multiple in silico algorithms, and/or has population frequency not consistent with disease.

Laboratory for Molecular Medicine, Mass General Brigham Personalized Medicine
Classification: Likely benign. Last evaluated: 2018-03-19. Review status: criteria provided, single submitter. Criteria: LMM Criteria. Collection method: clinical testing. Allele origin: germline. Observed: 1 variant allele. Not counted in ClinVar's aggregate classification.
Comment: In add ition, computational prediction tools do not suggest a high likelihood of impact to the protein. ACMG/AMP Criteria applied: BS1; BP5; BP4.

Eurofins Ntd Llc (ga)
Classification: Likely benign. Last evaluated: 2015-08-21. Review status: criteria provided, single submitter. Criteria: EGL Classification Definitions 2015. Collection method: clinical testing. Allele origin: germline. Observed: 2 variant alleles, 2 heterozygotes. Not counted in ClinVar's aggregate classification.

PreventionGenetics, part of Exact Sciences
Classification: Benign for RAF1-related condition. Last evaluated: 2024-07-09. Review status: no assertion criteria provided. Collection method: clinical testing. Allele origin: germline. Not counted in ClinVar's aggregate classification.
Comment: This variant is classified as benign based on ACMG/AMP sequence variant interpretation guidelines (Richards et al. 2015 PMID: 25741868, with internal and published modifications).

Dr. Peter K. Rogan Lab, Western University
No classification provided (evidence only). Condition: Cervical cancer. Review status: no classification provided. Collection method: in vitro. Allele origin: not applicable. Functional consequence: retained intron. Not counted in ClinVar's aggregate classification.

Literature cited by the submitters: PubMed 30548201 (cited by Ambry Genetics); PubMed 26580448 (cited by Women's Health and Genetics/Laboratory Corporation of America, LabCorp).

NM_002880.4(RAF1):c.94A>G (p.Ile32Val)

Gene: RAF1 (Raf-1 proto-oncogene, serine/threonine kinase; minus strand). Cytogenetic location: 3p25.2.
Variant type: single nucleotide variant.
Coding change: c.94A>G on transcript NM_002880.4 (MANE Select); coding-DNA position 94, A replaced by G.
Protein change: p.Ile32Val; replaces isoleucine 32 with valine.
Molecular consequence: missense variant. On other transcripts: 5 prime UTR variant (4), non-coding transcript variant (3).
Genome position (GRCh38, 1-based): chr3:12,618,628, T>C on the plus strand (A>G on the coding strand, the complement: RAF1 is on the minus strand). VCF-style: chr3-12618628-T-C. GRCh37 (hg19) VCF-style: chr3-12660127-T-C.
Other names: p.I32V:ATA>GTA; NM_002880.3(RAF1):c.94A>G; c.94A>G, p.Ile32Val (NM_001354689.3, NM_001354690.3, NM_001354693.3); c.-37A>G (NM_001354691.3, NM_001354692.3, NM_001354694.3 and 1 more transcripts); short protein forms I32V.
Identifiers: ClinVar variation 40584 (VCV000040584.48), dbSNP rs372738063, ClinGen allele CA241481.